The following is an entry in ClinVar:

ClinVar aggregate classification (germline): Uncertain significance. Review status: criteria provided, multiple submitters, no conflicts (2 of 4 stars). 5 submissions from 5 submitters: Uncertain significance (4). 1 of the submissions does not count toward it. Last evaluated 2025-10-27.

Conditions:
Nemaline myopathy 2 (NEM2). Also called: Nemaline myopathy 2, autosomal recessive. Identifiers: MedGen C1850569, MONDO:0009725, OMIM 256030.
NEB-related disorder. Also called: NEB-Related Disorders; NEB-related condition.

Allele frequency attached by ClinVar (database versions not stated): gnomAD exomes 0.00008 and 0.00004; ExAC 0.00010; gnomAD 0.00011; TOPMed 0.00013; ESP Exome Variant Server 0.00008.
gnomAD v4.1: 72 of 1,613,818 alleles (0.0045%); highest among the groups gnomAD compares: African/African-American, 0.036%; no homozygotes.

Submissions (5):

PreventionGenetics, part of Exact Sciences
Classification: Uncertain significance for NEB-related condition. Last evaluated: 2025-10-27. Review status: criteria provided, single submitter. Criteria: ACMG Guidelines, 2015. Collection method: clinical testing. Allele origin: germline.
Comment: The NEB c.8647G>A variant is predicted to result in the amino acid substitution p.Val2883Ile. This variant was reported along with a splice-site variant in NEB in an individual with nemaline myopathy (eTable 2, Moreno et al. 2023. PubMed ID: 36714460). This variant is reported in 0.037% of alleles in individuals of African descent in gnomAD. At this time, the clinical significance of this variant is uncertain due to the absence of conclusive functional and genetic evidence.

Revvity Omics, Revvity
Classification: Uncertain significance. Last evaluated: 2024-10-22. Review status: criteria provided, single submitter. Criteria: ACMG Guidelines, 2015. Collection method: clinical testing. Allele origin: germline.

GeneDx
Classification: Uncertain significance. Last evaluated: 2024-07-13. Review status: criteria provided, single submitter. Criteria: GeneDx Variant Classification Process June 2021. Collection method: clinical testing. Allele origin: germline. Affected: yes.
Comment: Reported in association with nemaline myopathy in the published literature (PMID: 36714460); In silico analysis indicates that this missense variant does not alter protein structure/function; This variant is associated with the following publications: (PMID: 36714460)

Labcorp Genetics (formerly Invitae), Labcorp
Classification: Uncertain significance for Nemaline myopathy 2. Last evaluated: 2022-09-06. Review status: criteria provided, single submitter. Criteria: Invitae Variant Classification Sherloc (09022015). Collection method: clinical testing. Allele origin: germline.
Comment: This sequence change replaces valine, which is neutral and non-polar, with isoleucine, which is neutral and non-polar, at codon 2883 of the NEB protein (p.Val2883Ile). This variant is present in population databases (rs369283016, gnomAD 0.04%). This variant has not been reported in the literature in individuals affected with NEB-related conditions. ClinVar contains an entry for this variant (Variation ID: 533972). Algorithms developed to predict the effect of missense changes on protein structure and function are either unavailable or do not agree on the potential impact of this missense change (SIFT: "Deleterious"; PolyPhen-2: "Not Available"; Align-GVGD: "Class C0"). In summary, the available evidence is currently insufficient to determine the role of this variant in disease. Therefore, it has been classified as a Variant of Uncertain Significance.

Natera, Inc.
Classification: Uncertain significance for Nemaline myopathy type 2. Last evaluated: 2020-03-11. Review status: no assertion criteria provided. Collection method: clinical testing. Allele origin: germline. Not counted in ClinVar's aggregate classification.

NM_001164508.2(NEB):c.8647G>A (p.Val2883Ile)

Gene: NEB (nebulin; minus strand). Cytogenetic location: 2q23.3.
Variant type: single nucleotide variant.
Coding change: c.8647G>A on transcript NM_001164508.2 (MANE Select); coding-DNA position 8647, G replaced by A.
Protein change: p.Val2883Ile; replaces valine 2883 with isoleucine.
Molecular consequence: missense variant.
Genome position (GRCh38, 1-based): chr2:151,640,393, C>T on the plus strand (G>A on the coding strand, the complement: NEB is on the minus strand). VCF-style: chr2-151640393-C-T. GRCh37 (hg19) VCF-style: chr2-152496907-C-T.
Other names: c.8647G>A, p.Val2883Ile (NM_001164507.2, NM_001271208.2, NM_004543.5); short protein forms V2883I.
Identifiers: ClinVar variation 533972 (VCV000533972.10), dbSNP rs369283016, ClinGen allele CA1909539.